The following is an entry in ClinVar:

NM_015311.3(OBSL1):c.5504del (p.Ser1835fs)

Gene: OBSL1 (obscurin like cytoskeletal adaptor 1; minus strand). Cytogenetic location: 2q35.
Variant type: Deletion.
Coding change: c.5504del on transcript NM_015311.3 (MANE Select); coding-DNA position 5504, one base deleted (C; older notation c.5504delC).
Protein change: p.Ser1835fs; shifts the reading frame from serine 1835.
Molecular consequence: frameshift variant.
Genome position (GRCh38, 1-based): chr2:219,551,708, G deleted on the plus strand (C on the coding strand, the reverse complement: OBSL1 is on the minus strand). VCF-style (leftmost placement, unchanged base first): chr2-219551707-CG-C. GRCh37 (hg19) VCF-style: chr2-220416429-CG-C.
Other names: short protein forms S1835fs.
Identifiers: ClinVar variation 5006225 (VCV005006225.2).

ClinVar aggregate classification (germline): Uncertain significance (1 of 4 stars; one submission).

Conditions:
3M syndrome 2. Also called: 3-M Syndrome, OBSL1-Related; THREE M SYNDROME 2. Identifiers: Orphanet 2616, MedGen C2752041, MONDO:0013039, OMIM 612921.

Submission:

Juno Genomics, Hangzhou Juno Genomics, Inc
Classification: Uncertain significance for 3M syndrome 2. Review status: criteria provided, single submitter. Criteria: ACMG Guidelines, 2015. Collection method: clinical testing. Allele origin: germline.
Comment: Null variant in a gene where loss of function (LOF) is a known mechanism of disease.;Absent from controls (or at extremely low frequency if recessive) in Genome Aggregation Database.